The following is an entry in ClinVar:

NM_003482.4(KMT2D):c.11733A>T (p.Gln3911His)

Gene: KMT2D (lysine methyltransferase 2D; minus strand). Cytogenetic location: 12q13.12.
Variant type: single nucleotide variant.
Coding change: c.11733A>T on transcript NM_003482.4 (MANE Select); coding-DNA position 11733, A replaced by T.
Protein change: p.Gln3911His; replaces glutamine 3911 with histidine.
Molecular consequence: missense variant.
Genome position (GRCh38, 1-based): chr12:49,032,972, T>A on the plus strand (A>T on the coding strand, the complement: KMT2D is on the minus strand). VCF-style: chr12-49032972-T-A. GRCh37 (hg19) VCF-style: chr12-49426755-T-A.
Other names: short protein forms Q3911H.
Identifiers: ClinVar variation 4767561 (VCV004767561.1).
Genomic context (GRCh38, chr12:49,032,972, plus strand): 5'-AAGCTGTTGCTGCTGAAGTTGCTGTTGCTGTTGTAGCTGCTGCTGCTGCTGCTGCTGAAG[T>A]TGCTGTTGCTGTTGCAGCTGCTGCTGCTGCTGAAGCTGCTGTAAAGAGCCCATGGGCTGA-3'
Protein context (NP_003473.3, residues 3901-3921): QQQQQLQQQQ[Gln3911His]LQQQQQQQLQ

ClinVar aggregate classification (germline): Uncertain significance (1 of 4 stars; one submission).

Conditions:
Kabuki syndrome. Also called: NIIKAWA-KUROKI SYNDROME; Kabuki make-up syndrome. Identifiers: Orphanet 2322, MedGen C0796004, MONDO:0016512.

Submission:

Labcorp Genetics (formerly Invitae), Labcorp
Classification: Uncertain significance for Kabuki syndrome. Last evaluated: 2025-11-08. Review status: criteria provided, single submitter. Criteria: Invitae Variant Classification Sherloc (09022015). Collection method: clinical testing. Allele origin: germline.
Comment: This sequence change replaces glutamine, which is neutral and polar, with histidine, which is basic and polar, at codon 3911 of the KMT2D protein (p.Gln3911His). This variant is not present in population databases (gnomAD no frequency). This variant has not been reported in the literature in individuals affected with KMT2D-related conditions. Invitae Evidence Modeling of protein sequence and biophysical properties (such as structural, functional, and spatial information, amino acid conservation, physicochemical variation, residue mobility, and thermodynamic stability) indicates that this missense variant is not expected to disrupt KMT2D protein function with a negative predictive value of 95%. In summary, the available evidence is currently insufficient to determine the role of this variant in disease. Therefore, it has been classified as a Variant of Uncertain Significance.